The following is an entry in ClinVar:

ClinVar aggregate classification (germline): Uncertain significance (1 of 4 stars; one submission).

Conditions:
Bardet-Biedl syndrome (BBS). Identifiers: Orphanet 110, MedGen C0752166, MONDO:0015229.

Allele frequency attached by ClinVar (database versions not stated): ExAC 0.00002.

Submission:

Labcorp Genetics (formerly Invitae), Labcorp
Classification: Uncertain significance for Bardet-Biedl syndrome. Last evaluated: 2022-06-29. Review status: criteria provided, single submitter. Criteria: Invitae Variant Classification Sherloc (09022015). Collection method: clinical testing. Allele origin: germline.
Comment: This sequence change replaces glycine, which is neutral and non-polar, with cysteine, which is neutral and slightly polar, at codon 175 of the BBS12 protein (p.Gly175Cys). This variant is present in population databases (rs776355313, gnomAD 0.01%). This variant has not been reported in the literature in individuals affected with BBS12-related conditions. Algorithms developed to predict the effect of missense changes on protein structure and function (SIFT, PolyPhen-2, Align-GVGD) all suggest that this variant is likely to be tolerated. In summary, the available evidence is currently insufficient to determine the role of this variant in disease. Therefore, it has been classified as a Variant of Uncertain Significance.

NM_152618.3(BBS12):c.523G>T (p.Gly175Cys)

Gene: BBS12 (Bardet-Biedl syndrome 12; plus strand). Cytogenetic location: 4q27.
Variant type: single nucleotide variant.
Coding change: c.523G>T on transcript NM_152618.3 (MANE Select); coding-DNA position 523, G replaced by T.
Protein change: p.Gly175Cys; replaces glycine 175 with cysteine.
Molecular consequence: missense variant.
Genome position (GRCh38, 1-based): chr4:122,742,415, G>T. VCF-style: chr4-122742415-G-T. GRCh37 (hg19) VCF-style: chr4-123663570-G-T.
Other names: c.523G>T, p.Gly175Cys (NM_001178007.2); short protein forms G175C.
Identifiers: ClinVar variation 2165051 (VCV002165051.1), dbSNP rs776355313, ClinGen allele CA3069291.
Genomic context (GRCh38, chr4:122,742,415, plus strand): 5'-GTAAGTTTGTGTCCTTTTCTACAGGTCCCTTCAGATACTGATTTGATAGAGGAATTGCAT[G>T]GTCTCAAAGATGTTGCCTCTCAAACACTGACCATTTCCAACCTTTCTGGGAGACCTCTTA-3'
Protein context (NP_689831.2, residues 165-185): SDTDLIEELH[Gly175Cys]LKDVASQTLT